The following is an entry in ClinVar:

ClinVar aggregate classification (germline): Uncertain significance (1 of 4 stars; one submission).

Conditions:
Cardiovascular phenotype. Identifiers: MedGen CN230736.

Submission:

Ambry Genetics
Classification: Uncertain significance for Cardiovascular phenotype. Last evaluated: 2025-11-13. Review status: criteria provided, single submitter. Criteria: Ambry Variant Classification Scheme 2023. Collection method: clinical testing. Allele origin: germline.
Comment: The c.1078_1150+341del414 gross deletion includes at least a portion of the coding exon 9 and involves the canonical splice donor site after coding exon 9 of the TRPM4 gene. In silico splice site analysis predicts that this alteration will weaken the native splice donor site; however, the exact impact of this deletion on splicing and function is currently unknown. Alterations that disrupt the canonical splice site are expected to cause aberrant splicing, resulting in an abnormal protein or a transcript that is subject to nonsense-mediated mRNA decay. However, loss of function has not been established as a mechanism of disease. Based on the available evidence, the clinical significance of this alteration remains unclear.

NM_017636.4(TRPM4):c.1078_1150+341del

Gene: TRPM4 (transient receptor potential cation channel subfamily M member 4; plus strand). Cytogenetic location: 19q13.33.
Variant type: Deletion.
Coding change: c.1078_1150+341del on transcript NM_017636.4 (MANE Select); coding-DNA position 1078 through 341 bases into the intron after coding-DNA position 1150, 414 bases deleted.
Molecular consequence: splice donor variant. On other transcripts: intron variant (1).
Genome position (GRCh38, 1-based): chr19:49,172,036-49,172,449, 414 bases deleted. GRCh37 (hg19): chr19:49,675,293-49,675,706.
Other names: c.1078_1150+341del (NM_001195227.2); c.-476_-404+341del (NM_001321282.2); c.733_805+341del (NM_001321281.2); c.556_628+341del (NM_001321283.2); c.201+267_201+680del (NM_001321285.2).
Identifiers: ClinVar variation 4615275 (VCV004615275.1).